The following is an entry in ClinVar:

NM_014633.5(CTR9):c.797C>T (p.Pro266Leu)

Gene: CTR9 (CTR9 homolog, Paf1/RNA polymerase II complex component; plus strand). Cytogenetic location: 11p15.4.
Variant type: single nucleotide variant.
Coding change: c.797C>T on transcript NM_014633.5 (MANE Select); coding-DNA position 797, C replaced by T.
Protein change: p.Pro266Leu; replaces proline 266 with leucine.
Molecular consequence: missense variant.
Genome position (GRCh38, 1-based): chr11:10,762,002, C>T. VCF-style: chr11-10762002-C-T. GRCh37 (hg19) VCF-style: chr11-10783549-C-T.
Other names: c.797C>T, p.Pro266Leu (NM_001346279.2); short protein forms P266L.
Identifiers: ClinVar variation 3376634 (VCV003376634.1).

ClinVar aggregate classification (germline): Uncertain significance (1 of 4 stars; one submission).

Conditions:
Neurodevelopmental disorder. Identifiers: MedGen C1535926, MeSH D065886, MONDO:0700092.

gnomAD v4.1: 3 of 1,610,970 alleles (0.00019%); highest among the groups gnomAD compares: Admixed American, 0.0017%; no homozygotes.

Submission:

Victorian Clinical Genetics Services, Murdoch Childrens Research Institute
Classification: Uncertain significance for Neurodevelopmental disorder. Last evaluated: 2022-09-02. Review status: criteria provided, single submitter. Criteria: ACMG Guidelines, 2015. Collection method: clinical testing. Allele origin: germline. Inheritance: Autosomal dominant inheritance. Affected: yes.
Comment: Based on the classification scheme VCGS_Germline_v1.3.4, this variant is classified as VUS-3B. Following criteria are met: 0102 - Loss of function is a known mechanism of disease in this gene and is associated with familial Wilms tumour (MONDO:0006058), CTR9-related. The mechanism for neurodevelopmental disorder (MONDO:0700092), CTR9-related, is currently unestablished. While gain of function is suggested based on in vitro assays, animal modelling disputes this (PMID: 35717577). (I) 0107 - This gene is associated with autosomal dominant disease. (I) 0112 - The condition associated with this gene has incomplete penetrance, specifically in familial Wilms tumour (MONDO:0006058), CTR9-related. (I) 0200 - Variant is predicted to result in a missense amino acid change from proline to leucine. (I) 0251 - This variant is heterozygous. (I) 0302 - Variant is present in gnomAD <0.001 for a dominant condition (v2, v3: 2 heterozygotes, 0 homozygotes). (SP) 0502 - Missense variant with conflicting in silico predictions and uninformative conservation. (I) 0604 - Variant is not located in an established domain, motif, hotspot or informative constraint region. (I) 0705 - No comparable missense variants have previous evidence for pathogenicity. (I) 0807 - This variant has no previous evidence of pathogenicity. (I) 0905 - No published segregation evidence has been identified for this variant. (I) 1007 - No published functional evidence has been identified for this variant. (I) 1208 - Inheritance information for this variant is not currently available in this individual. (I) Legend: (SP) - Supporting pathogenic, (I) - Information, (SB) - Supporting benign

Literature cited by the submitters: PubMed 35717577.